The following is an entry in ClinVar:

NM_000130.5(F5):c.3646G>T (p.Glu1216Ter)

Gene: F5 (coagulation factor V; minus strand). Cytogenetic location: 1q24.2.
Variant type: single nucleotide variant.
Coding change: c.3646G>T on transcript NM_000130.5 (MANE Select); coding-DNA position 3646, G replaced by T.
Protein change: p.Glu1216Ter; replaces glutamic acid 1216 with a stop codon.
Molecular consequence: nonsense.
Genome position (GRCh38, 1-based): chr1:169,541,444, C>A on the plus strand (G>T on the coding strand, the complement: F5 is on the minus strand). VCF-style: chr1-169541444-C-A. GRCh37 (hg19) VCF-style: chr1-169510682-C-A.
Other names: short protein forms E1216*.
Identifiers: ClinVar variation 2884844 (VCV002884844.5), dbSNP rs1267208797, ClinGen allele CA343148065.

ClinVar aggregate classification (germline): Pathogenic/Likely pathogenic. Review status: criteria provided, multiple submitters, no conflicts (2 of 4 stars). 2 submissions from 2 submitters: Pathogenic (1); Likely pathogenic (1). Last evaluated 2025-12-03.

Conditions:
Congenital factor V deficiency. Also called: LABILE FACTOR DEFICIENCY; OWREN PARAHEMOPHILIA; PARAHEMOPHILIA; Hereditary factor V deficiency disease. Identifiers: Orphanet 326, MedGen C0015499, MONDO:0009210, OMIM 227400.

Allele frequency attached by ClinVar (database versions not stated): gnomAD exomes below 0.00001.
gnomAD v4.1: 2 of 1,613,918 alleles (0.00012%); highest among the groups gnomAD compares: Admixed American, 0.0017%; no homozygotes.

Submissions (2):

Dasa
Classification: Likely pathogenic. Last evaluated: 2025-12-03. Review status: criteria provided, single submitter. Criteria: DASA Assertion Criteria. Collection method: clinical testing. Allele origin: germline.
Comment: NM_000130.5(F5):c.3646G>T (p.Glu1216*) is a nonsense variant in F5 predicted to introduce a premature termination codon and is predicted to result in an absent or altered protein product. Loss of function is an established disease mechanism for F5-associated disorders. Also, this variant is rare in population databases. Based on the currently available evidence, this variant is classified as likely pathogenic.

Labcorp Genetics (formerly Invitae), Labcorp
Classification: Pathogenic for Congenital factor V deficiency. Last evaluated: 2023-11-27. Review status: criteria provided, single submitter. Criteria: Invitae Variant Classification Sherloc (09022015). Collection method: clinical testing. Allele origin: germline.
Comment: This sequence change creates a premature translational stop signal (p.Glu1216*) in the F5 gene. It is expected to result in an absent or disrupted protein product. Loss-of-function variants in F5 are known to be pathogenic (PMID: 30924984). This variant is present in population databases (no rsID available, gnomAD 0.003%). This variant has not been reported in the literature in individuals affected with F5-related conditions. For these reasons, this variant has been classified as Pathogenic.

Literature cited by the submitters: PubMed 30924984 (cited by Labcorp Genetics (formerly Invitae), Labcorp).